The following is an entry in ClinVar:

NM_005045.4(RELN):c.7022G>A (p.Gly2341Asp)

Gene: RELN (reelin; minus strand). Cytogenetic location: 7q22.1.
Variant type: single nucleotide variant.
Coding change: c.7022G>A on transcript NM_005045.4 (MANE Select); coding-DNA position 7022, G replaced by A.
Protein change: p.Gly2341Asp; replaces glycine 2341 with aspartic acid.
Molecular consequence: missense variant.
Genome position (GRCh38, 1-based): chr7:103,539,236, C>T on the plus strand (G>A on the coding strand, the complement: RELN is on the minus strand). VCF-style: chr7-103539236-C-T. GRCh37 (hg19) VCF-style: chr7-103179683-C-T.
Other names: c.7022G>A, p.Gly2341Asp (NM_173054.3); short protein forms G2341D.
Identifiers: ClinVar variation 943028 (VCV000943028.9), dbSNP rs1830123310, ClinGen allele CA368769316.

ClinVar aggregate classification (germline): Uncertain significance (1 of 4 stars; one submission).

Conditions:
Norman-Roberts syndrome (LIS2). Also called: Lissencephaly 2 (Norman-Roberts type). Identifiers: Orphanet 89844, MedGen C0796089, MONDO:0009760, OMIM 257320.
Familial temporal lobe epilepsy 7. Identifiers: Orphanet 101046, MedGen C4225327, MONDO:0014639, OMIM 616436.

Allele frequency attached by ClinVar (database versions not stated): TOPMed 0.00001.

Submission:

Labcorp Genetics (formerly Invitae), Labcorp
Classification: Uncertain significance for Familial temporal lobe epilepsy 7; Norman-Roberts syndrome. Last evaluated: 2019-09-26. Review status: criteria provided, single submitter. Criteria: Invitae Variant Classification Sherloc (09022015). Collection method: clinical testing. Allele origin: germline.
Comment: In summary, the available evidence is currently insufficient to determine the role of this variant in disease. Therefore, it has been classified as a Variant of Uncertain Significance. Algorithms developed to predict the effect of missense changes on protein structure and function are either unavailable or do not agree on the potential impact of this missense change (SIFT: "Deleterious"; PolyPhen-2: "Probably Damaging"; Align-GVGD: "Class C0"). This variant has not been reported in the literature in individuals with RELN-related conditions. This variant is not present in population databases (ExAC no frequency). This sequence change replaces glycine with aspartic acid at codon 2341 of the RELN protein (p.Gly2341Asp). The glycine residue is moderately conserved and there is a moderate physicochemical difference between glycine and aspartic acid.